The following is an entry in ClinVar:

ClinVar aggregate classification (germline): Pathogenic (1 of 4 stars; one submission).

Conditions:
Nephronophthisis. Also called: Juvenile Nephronophthisis. Identifiers: Orphanet 655, MedGen C0687120, MONDO:0019005, HP:0000090.

Submission:

Labcorp Genetics (formerly Invitae), Labcorp
Classification: Pathogenic for Nephronophthisis. Last evaluated: 2022-08-04. Review status: criteria provided, single submitter. Criteria: Invitae Variant Classification Sherloc (09022015). Collection method: clinical testing. Allele origin: germline.
Comment: This sequence change creates a premature translational stop signal (p.Arg68Profs*25) in the NPHP4 gene. It is expected to result in an absent or disrupted protein product. Loss-of-function variants in NPHP4 are known to be pathogenic (PMID: 12205563, 23559409). This variant is not present in population databases (gnomAD no frequency). This variant has not been reported in the literature in individuals affected with NPHP4-related conditions. For these reasons, this variant has been classified as Pathogenic.

Literature cited by the submitters: PubMed 12205563; PubMed 23559409.

NM_015102.5(NPHP4):c.202dup (p.Arg68fs)

Gene: NPHP4 (nephrocystin 4; minus strand). Cytogenetic location: 1p36.31.
Variant type: Duplication.
Coding change: c.202dup on transcript NM_015102.5 (MANE Select); coding-DNA position 202, one base duplicated (C; older notation c.202dupC).
Protein change: p.Arg68fs; shifts the reading frame from arginine 68.
Molecular consequence: frameshift variant. On other transcripts: 5 prime UTR variant (1), non-coding transcript variant (1), intron variant (1).
Genome position (GRCh38, 1-based): chr1:5,978,347, G duplicated on the plus strand (C on the coding strand, the reverse complement: NPHP4 is on the minus strand); the first of 2 consecutive G bases (chr1:5,978,347-5,978,348); duplicating either gives the same sequence. VCF-style (leftmost placement, unchanged base first): chr1-5978346-C-CG. GRCh37 (hg19) VCF-style: chr1-6038406-C-CG.
Other names: c.-1028dup (NM_001291593.2); c.-1087-9088dup (NM_001291594.2); short protein forms R68fs.
Identifiers: ClinVar variation 2021585 (VCV002021585.4), dbSNP rs2523983926, ClinGen allele CA2580062526.